The following is an entry in ClinVar:

ClinVar aggregate classification (germline): Uncertain significance (1 of 4 stars; one submission).

Conditions:
Ataxia-telangiectasia syndrome (AT). Also called: AT, COMPLEMENTATION GROUP C; Ataxia telangiectasia (A-T); ATAXIA-TELANGIECTASIA, COMPLEMENTATION GROUP A; ATAXIA-TELANGIECTASIA, FRESNO VARIANT; Ataxia-telangiectasia, complementation group D; Ataxia-telangiectasia, complementation group E. Identifiers: Orphanet 100, MedGen C0004135, MONDO:0008840, OMIM 208900.

Submission:

Labcorp Genetics (formerly Invitae), Labcorp
Classification: Uncertain significance for Ataxia-telangiectasia syndrome. Last evaluated: 2023-05-09. Review status: criteria provided, single submitter. Criteria: Invitae Variant Classification Sherloc (09022015). Collection method: clinical testing. Allele origin: germline.
Comment: This sequence change affects codon 1184 of the ATM mRNA. It is a 'silent' change, meaning that it does not change the encoded amino acid sequence of the ATM protein. This variant is not present in population databases (gnomAD no frequency). This variant has not been reported in the literature in individuals affected with ATM-related conditions. Algorithms developed to predict the effect of sequence changes on RNA splicing suggest that this variant may disrupt the consensus splice site. In summary, the available evidence is currently insufficient to determine the role of this variant in disease. Therefore, it has been classified as a Variant of Uncertain Significance.

NM_000051.4(ATM):c.3552A>T (p.Gly1184=)

Gene: ATM (ATM serine/threonine kinase; plus strand). Cytogenetic location: 11q22.3.
Variant type: single nucleotide variant.
Coding change: c.3552A>T on transcript NM_000051.4 (MANE Select); coding-DNA position 3552, A replaced by T.
Protein change: p.Gly1184=; no amino-acid change (glycine 1184 retained).
Molecular consequence: synonymous variant.
Genome position (GRCh38, 1-based): chr11:108,281,144, A>T. VCF-style: chr11-108281144-A-T. GRCh37 (hg19) VCF-style: chr11-108151871-A-T.
Other names: c.3552A>T, p.Gly1184= (NM_001351834.2).
Identifiers: ClinVar variation 2862746 (VCV002862746.3), dbSNP rs2546871416, ClinGen allele CA476672962.
Genomic context (GRCh38, chr11:108,281,144, plus strand): 5'-TAGCCCTATCTGCGAAAAACAGGCTTTGTTTGCCCTGTGTAAATCTGTGAAAGAGAATGG[A>T]TTAGAACCTCACCTTGTGAAAAAGGTATATATGGATGAGTATTTTATTAGAAGCTTCCTT-3'
Protein context (NP_000042.3, residues 1174-1194): FALCKSVKEN[Gly1184=]LEPHLVKKVL